The following is an entry in ClinVar:

NM_003072.5(SMARCA4):c.2563G>A (p.Val855Ile)

Gene: SMARCA4 (SWI/SNF related BAF chromatin remodeling complex subunit ATPase 4; plus strand). Cytogenetic location: 19p13.2.
Variant type: single nucleotide variant.
Coding change: c.2563G>A on transcript NM_003072.5 (MANE Select); coding-DNA position 2563, G replaced by A.
Protein change: p.Val855Ile; replaces valine 855 with isoleucine.
Molecular consequence: missense variant. On other transcripts: non-coding transcript variant (1).
Genome position (GRCh38, 1-based): chr19:11,019,648, G>A. VCF-style: chr19-11019648-G-A. GRCh37 (hg19) VCF-style: chr19-11130324-G-A.
Other names: c.2563G>A, p.Val855Ile (NM_001128844.3, NM_001128845.2, NM_001128846.2 and 5 more transcripts); short protein forms V855I.
Identifiers: ClinVar variation 639903 (VCV000639903.14), dbSNP rs1600258142, ClinGen allele CA404054554.

ClinVar aggregate classification (germline): Uncertain significance. Review status: criteria provided, multiple submitters, no conflicts (2 of 4 stars). 3 submissions from 3 submitters: Uncertain significance (3). Last evaluated 2024-12-04.

Conditions:
Hereditary cancer-predisposing syndrome. Also called: Neoplastic Syndromes, Hereditary; Tumor predisposition; Hereditary Cancer Syndrome; Hereditary neoplastic syndrome. Identifiers: Orphanet 140162, MedGen C0027672, MeSH D009386, MONDO:0015356.
Rhabdoid tumor predisposition syndrome 2 (RTPS2). Identifiers: Orphanet 231108, Orphanet 69077, MedGen C2750074, MONDO:0013224, OMIM 613325.

Allele frequency attached by ClinVar (database versions not stated): gnomAD exomes below 0.00001.
gnomAD v4.1: 1 of 1,613,734 alleles (0.000062%); highest among the groups gnomAD compares: Non-Finnish European, 0.000085%; no homozygotes.

Submissions (3):

Labcorp Genetics (formerly Invitae), Labcorp
Classification: Uncertain significance for Rhabdoid tumor predisposition syndrome 2. Last evaluated: 2024-12-04. Review status: criteria provided, single submitter. Criteria: Invitae Variant Classification Sherloc (09022015). Collection method: clinical testing. Allele origin: germline.
Comment: This sequence change replaces valine, which is neutral and non-polar, with isoleucine, which is neutral and non-polar, at codon 855 of the SMARCA4 protein (p.Val855Ile). This variant is not present in population databases (gnomAD no frequency). This variant has not been reported in the literature in individuals affected with SMARCA4-related conditions. ClinVar contains an entry for this variant (Variation ID: 639903). Invitae Evidence Modeling of protein sequence and biophysical properties (such as structural, functional, and spatial information, amino acid conservation, physicochemical variation, residue mobility, and thermodynamic stability) indicates that this missense variant is expected to disrupt SMARCA4 protein function with a positive predictive value of 95%. In summary, the available evidence is currently insufficient to determine the role of this variant in disease. Therefore, it has been classified as a Variant of Uncertain Significance.

GeneDx
Classification: Uncertain significance. Last evaluated: 2023-11-29. Review status: criteria provided, single submitter. Criteria: GeneDx Variant Classification Process June 2021. Collection method: clinical testing. Allele origin: germline. Affected: yes.
Comment: Not observed at significant frequency in large population cohorts (gnomAD); In silico analysis supports that this missense variant does not alter protein structure/function; Has not been previously published as pathogenic or benign to our knowledge; This variant is associated with the following publications: (PMID: 24658002)

Ambry Genetics
Classification: Uncertain significance for Hereditary cancer-predisposing syndrome. Last evaluated: 2022-08-17. Review status: criteria provided, single submitter. Criteria: Ambry Variant Classification Scheme 2023. Collection method: clinical testing. Allele origin: germline.
Comment: The p.V855I variant (also known as c.2563G>A), located in coding exon 17 of the SMARCA4 gene, results from a G to A substitution at nucleotide position 2563. The valine at codon 855 is replaced by isoleucine, an amino acid with highly similar properties. This amino acid position is highly conserved in available vertebrate species. In addition, the in silico prediction for this alteration is inconclusive. Missense and in-frame variants in SMARCA4 are known to cause neurodevelopmental disorders; however, such associations with rhabdoid tumor predisposition syndrome including small cell carcinoma of the ovary-hypercalcemic type (SCCOHT) are exceedingly rare (Kosho T et al. Am J Med Genet C Semin Med Genet. 2014 Sep;166C(3):262-75; Jelinic P et al. Nat Genet. 2014 May;46(5):424-6). Since supporting evidence is limited at this time, the clinical significance of this alteration remains unclear.